The following is an entry in ClinVar:

NM_014927.5(CNKSR2):c.2250_2256del (p.Gly751fs)

Gene: CNKSR2 (connector enhancer of kinase suppressor of Ras 2; plus strand). Cytogenetic location: Xp22.12.
Variant type: Deletion.
Coding change: c.2250_2256del on transcript NM_014927.5 (MANE Select); coding-DNA positions 2250 to 2256, 7 bases deleted (TGGGAGC; older notation c.2250_2256delTGGGAGC).
Protein change: p.Gly751fs; shifts the reading frame from glycine 751.
Molecular consequence: frameshift variant.
Genome position (GRCh38, 1-based): chrX:21,609,175-21,609,181, TGGGAGC deleted; deleting any 7 consecutive bases within chrX:21,609,174-21,609,181 gives the same sequence; the c. name uses the placement nearest the transcript's 3' end. VCF-style (leftmost placement, unchanged base first): chrX-21609173-ACTGGGAG-A. GRCh37 (hg19) VCF-style: chrX-21627291-ACTGGGAG-A.
Other names: c.2160_2166del, p.Gly721fs (NM_001168647.3, NM_001330773.2); c.2250_2256del, p.Gly751fs (NM_001168648.3); c.2103_2109del, p.Gly702fs (NM_001168649.3, NM_001330770.2); c.2013_2019del, p.Gly672fs (NM_001330771.2, NM_001330772.2); short protein forms G672fs, G702fs, G721fs, G751fs.
Identifiers: ClinVar variation 3146485 (VCV003146485.1), dbSNP rs2519358649, ClinGen allele CA2825002911.

ClinVar aggregate classification (germline): Pathogenic (1 of 4 stars; one submission).

Conditions:
Inborn genetic diseases. Identifiers: MedGen C0950123, MeSH D030342.

Submission:

Ambry Genetics
Classification: Pathogenic for Inborn genetic diseases. Last evaluated: 2023-10-19. Review status: criteria provided, single submitter. Criteria: Ambry Variant Classification Scheme 2023. Collection method: clinical testing. Allele origin: germline.
Comment: The c.2250_2256delTGGGAGC (p.G751Vfs*19) alteration, located in coding exon 20 of the CNKSR2 gene, results from a deletion of 7 nucleotides from position 2250 to 2256, causing a translational frameshift with a predicted alternate stop codon after 19 amino acids. This alteration is expected to result in loss of function by premature protein truncation or nonsense-mediated mRNA decay. This variant was not reported in population-based cohorts in the Genome Aggregation Database (gnomAD). Based on the available evidence, this alteration is classified as pathogenic.